The following is an entry in ClinVar:

ClinVar aggregate classification (germline): Uncertain significance (1 of 4 stars; one submission).

Conditions:
Joubert syndrome. Also called: CEREBELLOPARENCHYMAL DISORDER IV; JOUBERT-BOLTSHAUSER SYNDROME; Familial aplasia of the vermis. Identifiers: Orphanet 475, MedGen C5979921, MONDO:0018772.
Nephronophthisis. Also called: Juvenile Nephronophthisis. Identifiers: Orphanet 655, MedGen C0687120, MONDO:0019005, HP:0000090.
Meckel-Gruber syndrome. Also called: DYSENCEPHALIA SPLANCHNOCYSTICA; GRUBER SYNDROME; Dysencephalia splachnocystica. Identifiers: Orphanet 564, MedGen C0265215, MONDO:0018921.

Allele frequency attached by ClinVar (database versions not stated): gnomAD 0.00001; gnomAD exomes below 0.00001; TOPMed below 0.00001.

Submission:

Labcorp Genetics (formerly Invitae), Labcorp
Classification: Uncertain significance for Joubert syndrome; Meckel-Gruber syndrome; Nephronophthisis. Last evaluated: 2022-06-13. Review status: criteria provided, single submitter. Criteria: Invitae Variant Classification Sherloc (09022015). Collection method: clinical testing. Allele origin: germline.
Comment: This sequence change replaces glutamine, which is neutral and polar, with arginine, which is basic and polar, at codon 2361 of the CEP290 protein (p.Gln2361Arg). This variant is not present in population databases (gnomAD no frequency). This variant has not been reported in the literature in individuals affected with CEP290-related conditions. Algorithms developed to predict the effect of missense changes on protein structure and function output the following: SIFT: "Tolerated"; PolyPhen-2: "Benign"; Align-GVGD: "Class C0". The arginine amino acid residue is found in multiple mammalian species, which suggests that this missense change does not adversely affect protein function. In summary, the available evidence is currently insufficient to determine the role of this variant in disease. Therefore, it has been classified as a Variant of Uncertain Significance.

NM_025114.4(CEP290):c.7082A>G (p.Gln2361Arg)

Gene: CEP290 (centrosomal protein 290; minus strand). Cytogenetic location: 12q21.32.
Variant type: single nucleotide variant.
Coding change: c.7082A>G on transcript NM_025114.4 (MANE Select); coding-DNA position 7082, A replaced by G.
Protein change: p.Gln2361Arg; replaces glutamine 2361 with arginine.
Molecular consequence: missense variant.
Genome position (GRCh38, 1-based): chr12:88,053,699, T>C on the plus strand (A>G on the coding strand, the complement: CEP290 is on the minus strand). VCF-style: chr12-88053699-T-C. GRCh37 (hg19) VCF-style: chr12-88447476-T-C.
Other names: short protein forms Q2361R.
Identifiers: ClinVar variation 1404589 (VCV001404589.8), dbSNP rs766016762, ClinGen allele CA241147105.